The following is an entry in ClinVar:

ClinVar aggregate classification (germline): Uncertain significance (1 of 4 stars; one submission).

Conditions:
Cardiovascular phenotype. Identifiers: MedGen CN230736.

Submission:

Ambry Genetics
Classification: Uncertain significance for Cardiovascular phenotype. Last evaluated: 2025-07-30. Review status: criteria provided, single submitter. Criteria: Ambry Variant Classification Scheme 2023. Collection method: clinical testing. Allele origin: germline.
Comment: The p.S510N variant (also known as c.1529G>A), located in coding exon 13 of the PRDM5 gene, results from a G to A substitution at nucleotide position 1529. The serine at codon 510 is replaced by asparagine, an amino acid with highly similar properties. This amino acid position is conserved. In addition, this alteration is predicted to be tolerated by in silico analysis. Based on the available evidence, the clinical significance of this variant remains unclear.

NM_018699.4(PRDM5):c.1529G>A (p.Ser510Asn)

Gene: PRDM5 (PR/SET domain 5; minus strand). Cytogenetic location: 4q27.
Variant type: single nucleotide variant.
Coding change: c.1529G>A on transcript NM_018699.4 (MANE Select); coding-DNA position 1529, G replaced by A.
Protein change: p.Ser510Asn; replaces serine 510 with asparagine.
Molecular consequence: missense variant.
Genome position (GRCh38, 1-based): chr4:120,777,196, C>T on the plus strand (G>A on the coding strand, the complement: PRDM5 is on the minus strand). VCF-style: chr4-120777196-C-T. GRCh37 (hg19) VCF-style: chr4-121698351-C-T.
Other names: c.1436G>A, p.Ser479Asn (NM_001300823.2, NM_001300824.2, NM_001379106.1); c.1562G>A, p.Ser521Asn (NM_001379104.1); short protein forms S479N, S510N, S521N.
Identifiers: ClinVar variation 4143975 (VCV004143975.1).